The following is an entry in ClinVar:

NM_000051.4(ATM):c.1231_1235dup (p.Trp412fs)

Gene: ATM (ATM serine/threonine kinase; plus strand). Cytogenetic location: 11q22.3.
Variant type: Duplication.
Coding change: c.1231_1235dup on transcript NM_000051.4 (MANE Select); coding-DNA positions 1231 to 1235, 5 bases duplicated (CCTTG; older notation c.1231_1235dupCCTTG).
Protein change: p.Trp412fs; shifts the reading frame from tryptophan 412.
Molecular consequence: frameshift variant.
Genome position (GRCh38, 1-based): chr11:108,249,098-108,249,102, CCTTG duplicated; duplicating any 5 consecutive bases within chr11:108,249,096-108,249,102 gives the same sequence; the c. name uses the placement nearest the transcript's 3' end. VCF-style (leftmost placement, unchanged base first): chr11-108249095-G-GTGCCT. GRCh37 (hg19) VCF-style: chr11-108119822-G-GTGCCT.
Other names: c.1231_1235dup, p.Trp412fs (NM_001351834.2); short protein forms W412fs.
Identifiers: ClinVar variation 818655 (VCV000818655.5), dbSNP rs1591518293, ClinGen allele CA915948337.
Genomic context (GRCh38, chr11:108,249,095, plus strand): 5'-GAACTAGGCTGGGAAGTAATAAAAGATCACCTTCAGAAGTCACAGAATGATTTTGATCTT[G>GTGCCT]TGCCTTGGTAAAGTGTTACCATTTTCTCATTCAGTGTCATTTTAATCTCTTGTATGTTAT-3'

ClinVar aggregate classification (germline): Pathogenic (1 of 4 stars; one submission).

Conditions:
Hereditary cancer-predisposing syndrome. Also called: Tumor predisposition; Hereditary neoplastic syndrome; Neoplastic Syndromes, Hereditary; Hereditary Cancer Syndrome. Identifiers: Orphanet 140162, MedGen C0027672, MeSH D009386, MONDO:0015356.

Submission:

Ambry Genetics
Classification: Pathogenic for Hereditary cancer-predisposing syndrome. Last evaluated: 2024-12-18. Review status: criteria provided, single submitter. Criteria: Ambry Variant Classification Scheme 2023. Collection method: clinical testing. Allele origin: germline.
Comment: The c.1231_1235dupCCTTG pathogenic mutation, located in coding exon 8 of the ATM gene, results from a duplication of CCTTG at nucleotide position 1231, causing a translational frameshift with a predicted alternate stop codon (p.W412Cfs*10). This variant is considered to be rare based on population cohorts in the Genome Aggregation Database (gnomAD). This alteration is expected to result in loss of function by premature protein truncation or nonsense-mediated mRNA decay. As such, this alteration is interpreted as a disease-causing mutation.